The following is an entry in ClinVar:

ClinVar aggregate classification (germline): Pathogenic (1 of 4 stars; one submission).

Conditions:
Cohen syndrome (COH1). Also called: Cutis verticis gyrata, retinitis pigmentosa, and sensorineural deafness; PEPPER SYNDROME. Identifiers: Orphanet 193, MedGen C0265223, MONDO:0008999, OMIM 216550.

Submission:

Labcorp Genetics (formerly Invitae), Labcorp
Classification: Pathogenic for Cohen syndrome. Last evaluated: 2024-01-15. Review status: criteria provided, single submitter. Criteria: Invitae Variant Classification Sherloc (09022015). Collection method: clinical testing. Allele origin: germline.
Comment: This sequence change creates a premature translational stop signal (p.Ser2808Cysfs*61) in the VPS13B gene. It is expected to result in an absent or disrupted protein product. Loss-of-function variants in VPS13B are known to be pathogenic (PMID: 15141358, 16648375, 20461111). This variant is not present in population databases (gnomAD no frequency). This variant has not been reported in the literature in individuals affected with VPS13B-related conditions. Algorithms developed to predict the effect of sequence changes on RNA splicing suggest that this variant may disrupt the consensus splice site. For these reasons, this variant has been classified as Pathogenic.

Literature cited by the submitters: PubMed 15141358; PubMed 16648375; PubMed 20461111.

NM_152564.5(VPS13B):c.8346_8350del (p.Ser2783fs)

Gene: VPS13B (vacuolar protein sorting 13 homolog B; plus strand). Cytogenetic location: 8q22.2.
Variant type: Deletion.
Coding change: c.8346_8350del on transcript NM_152564.5 (MANE Select); coding-DNA positions 8346 to 8350, 5 bases deleted (CAGCA; older notation c.8346_8350delCAGCA).
Protein change: p.Ser2783fs; shifts the reading frame from serine 2783.
Molecular consequence: frameshift variant.
Genome position (GRCh38, 1-based): chr8:99,817,788-99,817,792, CAGCA deleted; deleting any 5 consecutive bases within chr8:99,817,787-99,817,792 gives the same sequence; the c. name uses the placement nearest the transcript's 3' end. VCF-style (leftmost placement, unchanged base first): chr8-99817786-TACAGC-T. GRCh37 (hg19) VCF-style: chr8-100830014-TACAGC-T.
Other names: c.8421_8425del, p.Ser2808fs (NM_017890.5); short protein forms S2783fs, S2808fs.
Identifiers: ClinVar variation 2707186 (VCV002707186.3), dbSNP rs2492006345, ClinGen allele CA2697550094.